The following is an entry in ClinVar:

ClinVar aggregate classification (germline): Uncertain significance. Review status: criteria provided, multiple submitters, no conflicts (2 of 4 stars). 3 submissions from 3 submitters: Uncertain significance (3). Last evaluated 2026-02-02.

Conditions:
Inborn genetic diseases. Identifiers: MedGen C0950123, MeSH D030342.
Cerebral folate transport deficiency. Also called: NEURODEGENERATION DUE TO CEREBRAL FOLATE TRANSPORT DEFICIENCY; FOLATE RECEPTOR DEFICIENCY; FOLR1-Related Cerebral Folate Transport Deficiency; Neurodegenerative syndrome due to cerebral folate transport deficiency; Cerebral folate deficiency syndrome. Identifiers: Orphanet 217382, MedGen C2751584, MONDO:0013110, OMIM 613068. Disease mechanism: loss of function.

Allele frequency attached by ClinVar (database versions not stated): ExAC 0.00002; gnomAD exomes 0.00004 and 0.00009; gnomAD 0.00006; TOPMed 0.00006; ESP Exome Variant Server 0.00008.
gnomAD v4.1: 134 of 1,614,082 alleles (0.0083%); highest among the groups gnomAD compares: East Asian, 0.011%; 1 homozygote.

Submissions (3):

Labcorp Genetics (formerly Invitae), Labcorp
Classification: Uncertain significance for Cerebral folate transport deficiency. Last evaluated: 2026-02-02. Review status: criteria provided, single submitter. Criteria: Invitae Variant Classification Sherloc (09022015). Collection method: clinical testing. Allele origin: germline.
Comment: This sequence change replaces alanine, which is neutral and non-polar, with valine, which is neutral and non-polar, at codon 226 of the FOLR1 protein (p.Ala226Val). This variant is present in population databases (rs371399726, gnomAD 0.005%). This variant has not been reported in the literature in individuals affected with FOLR1-related conditions. ClinVar contains an entry for this variant (Variation ID: 589022). Invitae Evidence Modeling of protein sequence and biophysical properties (such as structural, functional, and spatial information, amino acid conservation, physicochemical variation, residue mobility, and thermodynamic stability) indicates that this missense variant is not expected to disrupt FOLR1 protein function with a negative predictive value of 80%. Algorithms developed to predict the effect of sequence changes on RNA splicing suggest that this variant may create or strengthen a splice site. In summary, the available evidence is currently insufficient to determine the role of this variant in disease. Therefore, it has been classified as a Variant of Uncertain Significance.

GeneDx
Classification: Uncertain significance. Last evaluated: 2025-08-27. Review status: criteria provided, single submitter. Criteria: GeneDx Variant Classification Process June 2021. Collection method: clinical testing. Allele origin: germline. Affected: yes.
Comment: Not observed at significant frequency in large population cohorts (gnomAD); In silico analysis supports that this missense variant has a deleterious effect on protein structure/function; Has not been previously published as pathogenic or benign to our knowledge

Ambry Genetics
Classification: Uncertain significance for Inborn genetic diseases. Last evaluated: 2017-05-05. Review status: criteria provided, single submitter. Criteria: Ambry Variant Classification Scheme 2023. Collection method: clinical testing. Allele origin: germline.
Comment: The p.A226V variant (also known as c.677C>T), located in coding exon 4 of the FOLR1 gene, results from a C to T substitution at nucleotide position 677. The alanine at codon 226 is replaced by valine, an amino acid with similar properties. This amino acid position is highly conserved in available vertebrate species. In addition, the in silico prediction for this alteration is inconclusive. Since supporting evidence is limited at this time, the clinical significance of this alteration remains unclear.

NM_016729.3(FOLR1):c.677C>T (p.Ala226Val)

Genes: FOLR1 (folate receptor alpha; plus strand), FOLR1-AS1 (FOLR1 antisense RNA 1; minus strand). Cytogenetic location: 11q13.4.
Variant type: single nucleotide variant.
Coding change: c.677C>T on transcript NM_016729.3 (MANE Select); coding-DNA position 677, C replaced by T.
Protein change: p.Ala226Val; replaces alanine 226 with valine.
Molecular consequence: missense variant.
Genome position (GRCh38, 1-based): chr11:72,196,080, C>T. VCF-style: chr11-72196080-C-T. GRCh37 (hg19) VCF-style: chr11-71907124-C-T.
Other names: c.677C>T, p.Ala226Val (NM_000802.3, NM_016724.3, NM_016725.3); short protein forms A226V.
Identifiers: ClinVar variation 589022 (VCV000589022.53), dbSNP rs371399726, ClinGen allele CA6169245.